The following is an entry in ClinVar:

ClinVar aggregate classification (germline): Uncertain significance. Review status: criteria provided, multiple submitters, no conflicts (2 of 4 stars). 3 submissions from 3 submitters: Uncertain significance (3). Last evaluated 2024-05-13.

Conditions:
Malignant hyperthermia, susceptibility to, 5 (MHS5). Also called: CACNA1S-Related Malignant Hyperthermia Susceptibility. Identifiers: Orphanet 423, MedGen C1866077, MONDO:0011163, OMIM 601887.
Hypokalemic periodic paralysis, type 1. Also called: Hypokalemic Periodic Paralysis Type 1 (AD); HypoPP. Identifiers: Orphanet 681, MedGen C3714580, MONDO:0042979, OMIM 170400.

gnomAD v4.1: 1 of 1,613,976 alleles (0.000062%); highest among the groups gnomAD compares: Non-Finnish European, 0.000085%; no homozygotes.

Submissions (3):

Color Diagnostics, LLC DBA Color Health
Classification: Uncertain significance for Malignant hyperthermia, susceptibility to, 5. Last evaluated: 2024-05-13. Review status: criteria provided, single submitter. Criteria: ACMG Guidelines, 2015. Collection method: clinical testing. Allele origin: germline.
Comment: This missense variant replaces leucine with valine at codon 522 of the CACNA1S protein. Computational prediction is inconclusive regarding the impact of this variant on protein structure and function. To our knowledge, functional studies have not been reported for this variant. This variant has not been reported in individuals affected with CACNA1S-related disorders in the literature. This variant has not been identified in the general population by the Genome Aggregation Database (gnomAD). The available evidence is insufficient to determine the role of this variant in disease conclusively. Therefore, this variant is classified as a Variant of Uncertain Significance.

Labcorp Genetics (formerly Invitae), Labcorp
Classification: Uncertain significance for Hypokalemic periodic paralysis, type 1; Malignant hyperthermia, susceptibility to, 5. Last evaluated: 2023-01-24. Review status: criteria provided, single submitter. Criteria: Invitae Variant Classification Sherloc (09022015). Collection method: clinical testing. Allele origin: germline.
Comment: This variant has not been reported in the literature in individuals affected with CACNA1S-related conditions. This sequence change replaces leucine, which is neutral and non-polar, with valine, which is neutral and non-polar, at codon 522 of the CACNA1S protein (p.Leu522Val). This variant is not present in population databases (gnomAD no frequency). ClinVar contains an entry for this variant (Variation ID: 1318619). Advanced modeling of protein sequence and biophysical properties (such as structural, functional, and spatial information, amino acid conservation, physicochemical variation, residue mobility, and thermodynamic stability) performed at Invitae indicates that this missense variant is not expected to disrupt CACNA1S protein function. In summary, the available evidence is currently insufficient to determine the role of this variant in disease. Therefore, it has been classified as a Variant of Uncertain Significance.

GeneDx
Classification: Uncertain significance. Last evaluated: 2019-10-11. Review status: criteria provided, single submitter. Criteria: GeneDx Variant Classification Process June 2021. Collection method: clinical testing. Allele origin: germline. Affected: yes.
Comment: Not observed in large population cohorts (Lek et al., 2016); In silico analysis, which includes protein predictors and evolutionary conservation, supports a deleterious effect; Has not been previously published as pathogenic or benign to our knowledge

NM_000069.3(CACNA1S):c.1564C>G (p.Leu522Val)

Gene: CACNA1S (calcium voltage-gated channel subunit alpha1 S; minus strand). Cytogenetic location: 1q32.1.
Variant type: single nucleotide variant.
Coding change: c.1564C>G on transcript NM_000069.3 (MANE Select); coding-DNA position 1564, C replaced by G.
Protein change: p.Leu522Val; replaces leucine 522 with valine.
Molecular consequence: missense variant.
Genome position (GRCh38, 1-based): chr1:201,077,934, G>C on the plus strand (C>G on the coding strand, the complement: CACNA1S is on the minus strand). VCF-style: chr1-201077934-G-C. GRCh37 (hg19) VCF-style: chr1-201047062-G-C.
Other names: short protein forms L522V.
Identifiers: ClinVar variation 1318619 (VCV001318619.5), dbSNP rs4915476, ClinGen allele CA344121351.